The following is an entry in ClinVar:

NM_021072.4(HCN1):c.2284A>T (p.Thr762Ser)

Gene: HCN1 (hyperpolarization activated cyclic nucleotide gated potassium channel 1; minus strand). Cytogenetic location: 5p12.
Variant type: single nucleotide variant.
Coding change: c.2284A>T on transcript NM_021072.4 (MANE Select); coding-DNA position 2284, A replaced by T.
Protein change: p.Thr762Ser; replaces threonine 762 with serine.
Molecular consequence: missense variant.
Genome position (GRCh38, 1-based): chr5:45,262,310, T>A on the plus strand (A>T on the coding strand, the complement: HCN1 is on the minus strand). VCF-style: chr5-45262310-T-A. GRCh37 (hg19) VCF-style: chr5-45262412-T-A.
Other names: short protein forms T762S.
Identifiers: ClinVar variation 1314059 (VCV001314059.2), dbSNP rs2111839064, ClinGen allele CA359703656.
Genomic context (GRCh38, chr5:45,262,310, plus strand): 5'-CCCGGGTCAGGTTGGTGTTGTGAAGCGCCTGCGTGCTCTTGTGCACTTCATTTTTCGGCG[T>A]GGAGCTGCCAGGTGTCTGTGGCTGCGGGGACGGCTGCTGTGGCTGAGTCTGCGGCGGCTG-3'
Protein context (NP_066550.2, residues 752-772): SPQPQTPGSS[Thr762Ser]PKNEVHKSTQ

ClinVar aggregate classification (germline): Uncertain significance (1 of 4 stars; one submission).

Submission:

GeneDx
Classification: Uncertain significance. Last evaluated: 2021-01-15. Review status: criteria provided, single submitter. Criteria: GeneDx Variant Classification Process June 2021. Collection method: clinical testing. Allele origin: germline. Affected: yes.
Comment: Not observed in large population cohorts (Lek et al., 2016); In silico analysis supports that this missense variant does not alter protein structure/function; Has not been previously published as pathogenic or benign to our knowledge